The following is an entry in ClinVar:

ClinVar aggregate classification (germline): Uncertain significance. Review status: criteria provided, multiple submitters, no conflicts (2 of 4 stars). 3 submissions from 3 submitters: Uncertain significance (3). Last evaluated 2025-07-15.

Conditions:
Inborn genetic diseases. Identifiers: MedGen C0950123, MeSH D030342.
COG5-congenital disorder of glycosylation. Also called: CONGENITAL DISORDER OF GLYCOSYLATION, TYPE IIi; CDG IIi; COG5-CDG. Identifiers: Orphanet 263487, MedGen C3150876, MONDO:0013325, OMIM 613612.

Allele frequency attached by ClinVar (database versions not stated): gnomAD exomes 0.00001 and 0.00007; TOPMed 0.00002; ExAC 0.00005.
gnomAD v4.1: 18 of 1,610,812 alleles (0.0011%); highest among the groups gnomAD compares: Admixed American, 0.03%; no homozygotes.

Submissions (3):

Ambry Genetics
Classification: Uncertain significance for Inborn genetic diseases. Last evaluated: 2025-07-15. Review status: criteria provided, single submitter. Criteria: Ambry Variant Classification Scheme 2023. Collection method: clinical testing. Allele origin: germline.

Labcorp Genetics (formerly Invitae), Labcorp
Classification: Uncertain significance for COG5-congenital disorder of glycosylation. Last evaluated: 2024-09-23. Review status: criteria provided, single submitter. Criteria: Invitae Variant Classification Sherloc (09022015). Collection method: clinical testing. Allele origin: germline.
Comment: This sequence change replaces threonine, which is neutral and polar, with asparagine, which is neutral and polar, at codon 641 of the COG5 protein (p.Thr641Asn). This variant is present in population databases (rs760831906, gnomAD 0.04%). This variant has not been reported in the literature in individuals affected with COG5-related conditions. ClinVar contains an entry for this variant (Variation ID: 1030098). Invitae Evidence Modeling of protein sequence and biophysical properties (such as structural, functional, and spatial information, amino acid conservation, physicochemical variation, residue mobility, and thermodynamic stability) indicates that this missense variant is expected to disrupt COG5 protein function with a positive predictive value of 80%. In summary, the available evidence is currently insufficient to determine the role of this variant in disease. Therefore, it has been classified as a Variant of Uncertain Significance.

Baylor Genetics
Classification: Uncertain significance for COG5-congenital disorder of glycosylation. Last evaluated: 2020-04-03. Review status: criteria provided, single submitter. Criteria: ACMG Guidelines, 2015. Collection method: clinical testing. Allele origin: unknown. Affected: yes.
Comment: This variant was determined to be of uncertain significance according to ACMG Guidelines, 2015 [PMID:25741868].

NM_006348.5(COG5):c.1829C>A (p.Thr610Asn)

Gene: COG5 (component of oligomeric golgi complex 5; minus strand). Cytogenetic location: 7q22.3.
Variant type: single nucleotide variant.
Coding change: c.1829C>A on transcript NM_006348.5 (MANE Select); coding-DNA position 1829, C replaced by A.
Protein change: p.Thr610Asn; replaces threonine 610 with asparagine.
Molecular consequence: missense variant.
Genome position (GRCh38, 1-based): chr7:107,248,420, G>T on the plus strand (C>A on the coding strand, the complement: COG5 is on the minus strand). VCF-style: chr7-107248420-G-T. GRCh37 (hg19) VCF-style: chr7-106888865-G-T.
Other names: c.1829C>A, p.Thr610Asn (NM_001161520.2, NM_001379513.1, NM_001379514.1); c.1667C>A, p.Thr556Asn (NM_001379511.1); c.1655C>A, p.Thr552Asn (NM_001379512.1); c.1259C>A, p.Thr420Asn (NM_001379515.1); c.1115C>A, p.Thr372Asn (NM_001379516.1); c.1766C>A, p.Thr589Asn (NM_181733.4); short protein forms T372N, T420N, T589N, T552N, T556N, T610N.
Identifiers: ClinVar variation 1030098 (VCV001030098.7), dbSNP rs760831906, ClinGen allele CA4430771.